The following is an entry in ClinVar:

NM_020822.3(KCNT1):c.2830A>C (p.Lys944Gln)

Gene: KCNT1 (potassium sodium-activated channel subfamily T member 1; plus strand). Cytogenetic location: 9q34.3.
Variant type: single nucleotide variant.
Coding change: c.2830A>C on transcript NM_020822.3 (MANE Select); coding-DNA position 2830, A replaced by C.
Protein change: p.Lys944Gln; replaces lysine 944 with glutamine.
Molecular consequence: missense variant.
Genome position (GRCh38, 1-based): chr9:135,779,459, A>C. VCF-style: chr9-135779459-A-C. GRCh37 (hg19) VCF-style: chr9-138671305-A-C.
Other names: c.2695A>C, p.Lys899Gln (NM_001272003.2); short protein forms K899Q, K944Q.
Identifiers: ClinVar variation 2416232 (VCV002416232.8), dbSNP rs1196179092, ClinGen allele CA375515725.

ClinVar aggregate classification (germline): Uncertain significance (1 of 4 stars; one submission).

Conditions:
Autosomal dominant nocturnal frontal lobe epilepsy 5. Also called: CILIARY DYSKINESIA, PRIMARY, 28, WITHOUT SITUS INVERSUS; CILIARY DYSKINESIA, PRIMARY, 28, WITH SITUS INVERSUS; Epilepsy, nocturnal frontal lobe, 5; KCNT1-Related Epilepsy. Identifiers: Orphanet 98784, MedGen C3554306, MONDO:0014002, OMIM 615005.
Developmental and epileptic encephalopathy, 14 (DEE14). Also called: Early infantile epileptic encephalopathy 14. Identifiers: Orphanet 293181, MedGen C3554195, MONDO:0013989, OMIM 614959.

Allele frequency attached by ClinVar (database versions not stated): gnomAD 0.00001.
gnomAD v4.1: 1 of 1,611,606 alleles (0.000062%); highest among the groups gnomAD compares: African/African-American, 0.0013%; no homozygotes.

Submission:

Labcorp Genetics (formerly Invitae), Labcorp
Classification: Uncertain significance for Autosomal dominant nocturnal frontal lobe epilepsy 5; Developmental and epileptic encephalopathy, 14. Last evaluated: 2025-07-06. Review status: criteria provided, single submitter. Criteria: Invitae Variant Classification Sherloc (09022015). Collection method: clinical testing. Allele origin: germline.
Comment: This sequence change replaces lysine, which is basic and polar, with glutamine, which is neutral and polar, at codon 944 of the KCNT1 protein (p.Lys944Gln). This variant is present in population databases (no rsID available, gnomAD 0.01%). This variant has not been reported in the literature in individuals affected with KCNT1-related conditions. ClinVar contains an entry for this variant (Variation ID: 2416232). Invitae Evidence Modeling of protein sequence and biophysical properties (such as structural, functional, and spatial information, amino acid conservation, physicochemical variation, residue mobility, and thermodynamic stability) indicates that this missense variant is not expected to disrupt KCNT1 protein function with a negative predictive value of 80%. In summary, the available evidence is currently insufficient to determine the role of this variant in disease. Therefore, it has been classified as a Variant of Uncertain Significance.